The following is an entry in ClinVar:

ClinVar aggregate classification (germline): Uncertain significance (1 of 4 stars; one submission).

Submission:

CeGaT Center for Human Genetics Tuebingen
Classification: Uncertain significance. Last evaluated: 2024-08-01. Review status: criteria provided, single submitter. Criteria: CeGaT Center For Human Genetics Tuebingen Variant Classification Criteria Version 2. Collection method: clinical testing. Allele origin: germline. Affected: yes. Observed: 1 variant allele.
Comment: CHD7: PM2

NM_017780.4(CHD7):c.1640C>A (p.Thr547Asn)

Gene: CHD7 (chromodomain helicase DNA binding protein 7; plus strand). Cytogenetic location: 8q12.2.
Variant type: single nucleotide variant.
Coding change: c.1640C>A on transcript NM_017780.4 (MANE Select); coding-DNA position 1640, C replaced by A.
Protein change: p.Thr547Asn; replaces threonine 547 with asparagine.
Molecular consequence: missense variant.
Genome position (GRCh38, 1-based): chr8:60,743,072, C>A. VCF-style: chr8-60743072-C-A. GRCh37 (hg19) VCF-style: chr8-61655631-C-A.
Other names: c.1640C>A, p.Thr547Asn (NM_001316690.1); short protein forms T547N.
Identifiers: ClinVar variation 3342153 (VCV003342153.16).